The following is an entry in ClinVar:

ClinVar aggregate classification (germline): Uncertain significance (1 of 4 stars; one submission).

Submission:

Labcorp Genetics (formerly Invitae), Labcorp
Classification: Uncertain significance. Last evaluated: 2025-04-17. Review status: criteria provided, single submitter. Criteria: Invitae Variant Classification Sherloc (09022015). Collection method: clinical testing. Allele origin: germline.
Comment: This sequence change replaces threonine, which is neutral and polar, with isoleucine, which is neutral and non-polar, at codon 2211 of the TRRAP protein (p.Thr2211Ile). This variant is not present in population databases (gnomAD no frequency). This variant has not been reported in the literature in individuals affected with TRRAP-related conditions. Invitae Evidence Modeling of protein sequence and biophysical properties (such as structural, functional, and spatial information, amino acid conservation, physicochemical variation, residue mobility, and thermodynamic stability) indicates that this missense variant is expected to disrupt TRRAP protein function with a positive predictive value of 80%. In summary, the available evidence is currently insufficient to determine the role of this variant in disease. Therefore, it has been classified as a Variant of Uncertain Significance.

NM_001375524.1(TRRAP):c.6707C>T (p.Thr2236Ile)

Gene: TRRAP (transformation/transcription domain associated protein; plus strand). Cytogenetic location: 7q22.1.
Variant type: single nucleotide variant.
Coding change: c.6707C>T on transcript NM_001375524.1 (MANE Select); coding-DNA position 6707, C replaced by T.
Protein change: p.Thr2236Ile; replaces threonine 2236 with isoleucine.
Molecular consequence: missense variant.
Genome position (GRCh38, 1-based): chr7:98,962,305, C>T. VCF-style: chr7-98962305-C-T. GRCh37 (hg19) VCF-style: chr7-98559928-C-T.
Other names: c.6686C>T, p.Thr2229Ile (NM_001244580.2); c.6632C>T, p.Thr2211Ile (NM_003496.4); short protein forms T2211I, T2229I, T2236I.
Identifiers: ClinVar variation 4805455 (VCV004805455.1).
Genomic context (GRCh38, chr7:98,962,305, plus strand): 5'-AGCACTGGTGGGCCCAAGAGCCATAACCACAGTGCCTGGGTCCCTGCCCTGTTGTAGGTA[C>T]TTCCAGTGTGGCCTCCAAATATGAAGAGCTGGAGTGCCTCTACGCAGCCGTCGGAAAGGT-3'
Protein context (NP_001362453.1, residues 2226-2246): LMSIFPTEPS[Thr2236Ile]SSVASKYEEL